The following is an entry in ClinVar:

NM_002206.3(ITGA7):c.943C>T (p.Arg315Cys)

Gene: ITGA7 (integrin subunit alpha 7; minus strand). Cytogenetic location: 12q13.2.
Variant type: single nucleotide variant.
Coding change: c.943C>T on transcript NM_002206.3 (MANE Select); coding-DNA position 943, C replaced by T.
Protein change: p.Arg315Cys; replaces arginine 315 with cysteine.
Molecular consequence: missense variant. On other transcripts: 5 prime UTR variant (1).
Genome position (GRCh38, 1-based): chr12:55,698,765, G>A on the plus strand (C>T on the coding strand, the complement: ITGA7 is on the minus strand). VCF-style: chr12-55698765-G-A. GRCh37 (hg19) VCF-style: chr12-56092549-G-A.
Other names: c.955C>T, p.Arg319Cys (NM_001144996.2, NM_001414029.1, NM_001414030.1); c.664C>T, p.Arg222Cys (NM_001144997.2); c.616C>T, p.Arg206Cys (NM_001367993.1); c.-350C>T (NM_001367994.1); c.943C>T, p.Arg315Cys (NM_001374465.1, NM_001414031.1, NM_001414034.1); c.1075C>T, p.Arg359Cys (NM_001410977.1); c.823C>T, p.Arg275Cys (NM_001414032.1); c.760C>T, p.Arg254Cys (NM_001414033.1); and 1 more; short protein forms R202C, R206C, R222C, R254C, R275C, R315C, R319C, R359C.
Identifiers: ClinVar variation 2432908 (VCV002432908.6), dbSNP rs747302062, ClinGen allele CA6616104.

ClinVar aggregate classification (germline): Uncertain significance. Review status: criteria provided, multiple submitters, no conflicts (2 of 4 stars). 2 submissions from 2 submitters: Uncertain significance (2). Last evaluated 2023-04-10.

Conditions:
Congenital muscular dystrophy due to integrin alpha-7 deficiency. Also called: MYOPATHY, CONGENITAL, DUE TO INTEGRIN ALPHA-7 DEFICIENCY; Congenital muscular dystrophy with integrin alpha-7 deficiency; Muscular dystrophy, congenital, due to ITGA7 deficiency. Identifiers: Orphanet 34520, MedGen C2750786, MONDO:0013177, OMIM 613204.

Allele frequency attached by ClinVar (database versions not stated): ExAC 0.00002; gnomAD exomes 0.00002; gnomAD 0.00003; TOPMed 0.00003.
gnomAD v4.1: 28 of 1,613,968 alleles (0.0017%); highest among the groups gnomAD compares: African/African-American, 0.0053%; no homozygotes.

Submissions (2):

Labcorp Genetics (formerly Invitae), Labcorp
Classification: Uncertain significance for Congenital muscular dystrophy due to integrin alpha-7 deficiency. Last evaluated: 2023-04-10. Review status: criteria provided, single submitter. Criteria: Invitae Variant Classification Sherloc (09022015). Collection method: clinical testing. Allele origin: germline.
Comment: In summary, the available evidence is currently insufficient to determine the role of this variant in disease. Therefore, it has been classified as a Variant of Uncertain Significance. Advanced modeling of protein sequence and biophysical properties (such as structural, functional, and spatial information, amino acid conservation, physicochemical variation, residue mobility, and thermodynamic stability) performed at Invitae indicates that this missense variant is expected to disrupt ITGA7 protein function. ClinVar contains an entry for this variant (Variation ID: 2432908). This variant has not been reported in the literature in individuals affected with ITGA7-related conditions. This variant is present in population databases (rs747302062, gnomAD 0.003%). This sequence change replaces arginine, which is basic and polar, with cysteine, which is neutral and slightly polar, at codon 315 of the ITGA7 protein (p.Arg315Cys).

Revvity Omics, Revvity
Classification: Uncertain significance for Congenital muscular dystrophy due to integrin alpha-7 deficiency. Last evaluated: 2022-03-01. Review status: criteria provided, single submitter. Criteria: ACMG Guidelines, 2015. Collection method: clinical testing. Allele origin: germline.